The following is an entry in ClinVar:

NM_201384.3(PLEC):c.11002G>A (p.Glu3668Lys)

Gene: PLEC (plectin; minus strand). Cytogenetic location: 8q24.3.
Variant type: single nucleotide variant.
Coding change: c.11002G>A on transcript NM_201384.3 (MANE Select); coding-DNA position 11002, G replaced by A.
Protein change: p.Glu3668Lys; replaces glutamic acid 3668 with lysine.
Molecular consequence: missense variant.
Genome position (GRCh38, 1-based): chr8:143,918,819, C>T on the plus strand (G>A on the coding strand, the complement: PLEC is on the minus strand). VCF-style: chr8-143918819-C-T. GRCh37 (hg19) VCF-style: chr8-144992987-C-T.
Other names: c.10906G>A, p.Glu3636Lys (NM_201381.3); c.11002G>A, p.Glu3668Lys (NM_201382.4); c.11014G>A, p.Glu3672Lys (NM_201383.3); c.11083G>A, p.Glu3695Lys (NM_000445.5); c.10960G>A, p.Glu3654Lys (NM_201378.4); c.10936G>A, p.Glu3646Lys (NM_201379.3); c.11413G>A, p.Glu3805Lys (NM_201380.4); short protein forms E3636K, E3646K, E3672K, E3695K, E3654K, E3668K, E3805K.
Identifiers: ClinVar variation 1035730 (VCV001035730.3), dbSNP rs782675540, ClinGen allele CA4924463.
Genomic context (GRCh38, chr8:143,918,819, plus strand): 5'-CATAGAGGTAGCACCAGGCGGACTCCGCCTCGAGAGCCTCACGGAGGCTCCTGGTGCCCT[C>T]CCGGAGCAGGTTGTAGGTCTCGAGAGAGATGATCCGAGCCTCGAACAGGTCCTCAGCCGT-3'
Protein context (NP_958786.1, residues 3658-3678): ISLETYNLLR[Glu3668Lys]GTRSLREALE

ClinVar aggregate classification (germline): Uncertain significance (1 of 4 stars; one submission).

Conditions:
Epidermolysis bullosa simplex 5C, with pyloric atresia (EBS5C). Also called: PLEC1-Related Epidermolysis Bullosa with Pyloric Atresia; Epidermolysis bullosa simplex with pyloric atresia; PLEC-Related Epidermolysis Bullosa with Pyloric Atresia. Identifiers: Orphanet 158684, MedGen C2677349, MONDO:0012807, OMIM 612138.
Epidermolysis bullosa simplex 5B, with muscular dystrophy (EBS5B). Also called: EPIDERMOLYSIS BULLOSA SIMPLEX AND LIMB-GIRDLE MUSCULAR DYSTROPHY; Epidermolysis bullosa simplex with muscular dystrophy. Identifiers: Orphanet 257, MedGen C2931072, MONDO:0009181, OMIM 226670.
Epidermolysis bullosa simplex with nail dystrophy (EBS5D). Identifiers: MedGen C4225309, MONDO:0014661, OMIM 616487.
Epidermolysis bullosa simplex, Ogna type (EBS5A). Also called: Pidermolysis bullosa simplex 5A, Ogna type; EPIDERMOLYSIS BULLOSA SIMPLEX 5A, OGNA TYPE. Identifiers: Orphanet 79401, MedGen C0432317, MONDO:0007555, OMIM 131950.
Autosomal recessive limb-girdle muscular dystrophy type 2Q (LGMDR17). Also called: MUSCULAR DYSTROPHY, LIMB-GIRDLE, AUTOSOMAL RECESSIVE 17. Identifiers: Orphanet 254361, MedGen C3150989, MONDO:0013390, OMIM 613723.

Allele frequency attached by ClinVar (database versions not stated): ExAC 0.00001; gnomAD 0.00001; gnomAD exomes 0.00001; TOPMed 0.00001.
gnomAD v4.1: 4 of 1,613,122 alleles (0.00025%); highest among the groups gnomAD compares: African/African-American, 0.0027%; no homozygotes.

Submission:

Labcorp Genetics (formerly Invitae), Labcorp
Classification: Uncertain significance for Autosomal recessive limb-girdle muscular dystrophy type 2Q; Epidermolysis bullosa simplex, Ogna type; Epidermolysis bullosa simplex with nail dystrophy; Epidermolysis bullosa simplex 5C, with pyloric atresia; Epidermolysis bullosa simplex 5B, with muscular dystrophy. Last evaluated: 2022-10-17. Review status: criteria provided, single submitter. Criteria: Invitae Variant Classification Sherloc (09022015). Collection method: clinical testing. Allele origin: germline.
Comment: In summary, the available evidence is currently insufficient to determine the role of this variant in disease. Therefore, it has been classified as a Variant of Uncertain Significance. Algorithms developed to predict the effect of missense changes on protein structure and function are either unavailable or do not agree on the potential impact of this missense change (SIFT: "Deleterious"; PolyPhen-2: "Benign"; Align-GVGD: "Class C15"). ClinVar contains an entry for this variant (Variation ID: 1035730). This variant has not been reported in the literature in individuals affected with PLEC-related conditions. This variant is present in population databases (rs782675540, gnomAD 0.007%). This sequence change replaces glutamic acid, which is acidic and polar, with lysine, which is basic and polar, at codon 3695 of the PLEC protein (p.Glu3695Lys).